The following is an entry in ClinVar:

ClinVar aggregate classification (germline): Uncertain significance. Review status: criteria provided, multiple submitters, no conflicts (2 of 4 stars). 2 submissions from 2 submitters: Uncertain significance (2). Last evaluated 2023-08-21.

Conditions:
Developmental and epileptic encephalopathy, 34 (DEE34). Also called: Early infantile epileptic encephalopathy 34; SLC12A5-Related Epilepsy of Infancy with Migrating Focal Seizures. Identifiers: Orphanet 293181, MedGen C4225257, MONDO:0014718, OMIM 616645.

Allele frequency attached by ClinVar (database versions not stated): gnomAD exomes below 0.00001 and 0.00001; TOPMed 0.00001; gnomAD 0.00002.
gnomAD v4.1: 5 of 1,614,120 alleles (0.00031%); highest among the groups gnomAD compares: African/African-American, 0.0067%; no homozygotes.

Submissions (2):

Revvity Omics, Revvity
Classification: Uncertain significance for Developmental and epileptic encephalopathy, 34. Last evaluated: 2023-08-21. Review status: criteria provided, single submitter. Criteria: ACMG Guidelines, 2015. Collection method: clinical testing. Allele origin: germline.

Labcorp Genetics (formerly Invitae), Labcorp
Classification: Uncertain significance for Developmental and epileptic encephalopathy, 34. Last evaluated: 2022-05-25. Review status: criteria provided, single submitter. Criteria: Invitae Variant Classification Sherloc (09022015). Collection method: clinical testing. Allele origin: germline.
Comment: This sequence change replaces valine, which is neutral and non-polar, with isoleucine, which is neutral and non-polar, at codon 258 of the SLC12A5 protein (p.Val258Ile). This variant is present in population databases (no rsID available, gnomAD 0.01%). This variant has not been reported in the literature in individuals affected with SLC12A5-related conditions. Advanced modeling of protein sequence and biophysical properties (such as structural, functional, and spatial information, amino acid conservation, physicochemical variation, residue mobility, and thermodynamic stability) performed at Invitae indicates that this missense variant is not expected to disrupt SLC12A5 protein function. In summary, the available evidence is currently insufficient to determine the role of this variant in disease. Therefore, it has been classified as a Variant of Uncertain Significance.

NM_020708.5(SLC12A5):c.772G>A (p.Val258Ile)

Gene: SLC12A5 (solute carrier family 12 member 5; plus strand). Cytogenetic location: 20q13.12.
Variant type: single nucleotide variant.
Coding change: c.772G>A on transcript NM_020708.5 (MANE Select); coding-DNA position 772, G replaced by A.
Protein change: p.Val258Ile; replaces valine 258 with isoleucine.
Molecular consequence: missense variant.
Genome position (GRCh38, 1-based): chr20:46,040,532, G>A. VCF-style: chr20-46040532-G-A. GRCh37 (hg19) VCF-style: chr20-44669171-G-A.
Other names: c.841G>A, p.Val281Ile (NM_001134771.2); short protein forms V258I, V281I.
Identifiers: ClinVar variation 1383398 (VCV001383398.6), dbSNP rs915523015, ClinGen allele CA315634639.